The following is an entry in ClinVar:

ClinVar aggregate classification (germline): Uncertain significance (1 of 4 stars; one submission).

Conditions:
Progressive myoclonic epilepsy type 3. Also called: EPILEPSY, PROGRESSIVE MYOCLONIC, 3, WITHOUT INTRACELLULAR INCLUSIONS; KCTD7-Related Progressive Myoclonic Epilepsy; EPILEPSY, PROGRESSIVE MYOCLONIC, 3, WITH OR WITHOUT INTRACELLULAR INCLUSIONS; CEROID LIPOFUSCINOSIS, NEURONAL, 14. Identifiers: Orphanet 263516, MedGen C2673257, MONDO:0012721, OMIM 611726.

Allele frequency attached by ClinVar (database versions not stated): gnomAD exomes 0.00001; ExAC 0.00004.
gnomAD v4.1: 4 of 1,409,962 alleles (0.00028%); highest among the groups gnomAD compares: Non-Finnish European, 0.00037%; no homozygotes.

Submission:

Labcorp Genetics (formerly Invitae), Labcorp
Classification: Uncertain significance for Progressive myoclonic epilepsy type 3. Last evaluated: 2021-09-01. Review status: criteria provided, single submitter. Criteria: Invitae Variant Classification Sherloc (09022015). Collection method: clinical testing. Allele origin: germline.
Comment: This sequence change replaces glutamine with histidine at codon 47 of the KCTD7 protein (p.Gln47His). The glutamine residue is moderately conserved and there is a small physicochemical difference between glutamine and histidine. This variant is present in population databases (rs753563583, ExAC 0.008%). This variant has not been reported in the literature in individuals affected with KCTD7-related conditions. Algorithms developed to predict the effect of missense changes on protein structure and function (SIFT, PolyPhen-2, Align-GVGD) all suggest that this variant is likely to be tolerated. In summary, the available evidence is currently insufficient to determine the role of this variant in disease. Therefore, it has been classified as a Variant of Uncertain Significance.

NM_153033.5(KCTD7):c.141G>C (p.Gln47His)

Genes: KCTD7 (potassium channel tetramerization domain containing 7; plus strand), LOC129998533 (ATAC-STARR-seq lymphoblastoid silent region 18210; plus strand). Cytogenetic location: 7q11.21.
Variant type: single nucleotide variant.
Coding change: c.141G>C on transcript NM_153033.5 (MANE Select); coding-DNA position 141, G replaced by C.
Protein change: p.Gln47His; replaces glutamine 47 with histidine.
Molecular consequence: missense variant.
Genome position (GRCh38, 1-based): chr7:66,629,205, G>C. VCF-style: chr7-66629205-G-C. GRCh37 (hg19) VCF-style: chr7-66094192-G-C.
Other names: c.141G>C, p.Gln47His (NM_001167961.2); short protein forms Q47H.
Identifiers: ClinVar variation 1430598 (VCV001430598.5), dbSNP rs753563583, ClinGen allele CA4278169.